The following is an entry in ClinVar:

NM_003001.5(SDHC):c.294T>G (p.Ser98=)

Gene: SDHC (succinate dehydrogenase complex subunit C; plus strand). Cytogenetic location: 1q23.3.
Variant type: single nucleotide variant.
Coding change: c.294T>G on transcript NM_003001.5 (MANE Select); coding-DNA position 294, T replaced by G.
Protein change: p.Ser98=; no amino-acid change (serine 98 retained).
Molecular consequence: synonymous variant. On other transcripts: non-coding transcript variant (1), intron variant (3).
Genome position (GRCh38, 1-based): chr1:161,356,729, T>G. VCF-style: chr1-161356729-T-G. GRCh37 (hg19) VCF-style: chr1-161326519-T-G.
Other names: c.192T>G, p.Ser64= (NM_001035512.3); c.135T>G, p.Ser45= (NM_001035513.3); c.414T>G, p.Ser138= (NM_001407115.1); c.237T>G, p.Ser79= (NM_001407116.1); c.231T>G, p.Ser77= (NM_001407117.1); c.186T>G, p.Ser62= (NM_001407118.1); c.183T>G, p.Ser61= (NM_001407119.1, NM_001407120.1); c.242-5600T>G (NM_001035511.3); and 2 more.
Identifiers: ClinVar variation 706876 (VCV000706876.51), dbSNP rs376292127, ClinGen allele CA047145.

ClinVar aggregate classification (germline): Benign/Likely benign. Review status: criteria provided, multiple submitters, no conflicts (2 of 4 stars). 4 submissions from 4 submitters: Benign (1); Likely benign (3). Last evaluated 2025-03-14.

Conditions:
Hereditary cancer-predisposing syndrome. Also called: Neoplastic Syndromes, Hereditary; Tumor predisposition; Hereditary Cancer Syndrome; Hereditary neoplastic syndrome. Identifiers: Orphanet 140162, MedGen C0027672, MeSH D009386, MONDO:0015356.
Pheochromocytoma/paraganglioma syndrome 3. Also called: SDHC-Related Hereditary Paraganglioma-Pheochromocytoma Syndrome (Paragangliomas 3); SDHC-Related Hereditary Paraganglioma-Pheochromocytoma Syndrome; Paragangliomas 3; GLOMUS TUMORS, FAMILIAL, 3. Identifiers: Orphanet 29072, MedGen C1854336, MONDO:0011544, OMIM 605373.
Gastrointestinal stromal tumor. Also called: Gastrointestinal stroma tumor; Gastrointestinal stromal tumor, somatic. Identifiers: Orphanet 44890, MedGen C0238198, MeSH D046152, MONDO:0011719, OMIM 606764, HP:0100723.

Allele frequency attached by ClinVar (database versions not stated): TOPMed below 0.00001; ExAC 0.00001; gnomAD 0.00001; ESP Exome Variant Server 0.00008.
gnomAD v4.1: 1 of 1,613,906 alleles (0.000062%); highest among the groups gnomAD compares: Non-Finnish European, 0.000085%; no homozygotes.

Submissions (4):

Myriad Genetics, Inc.
Classification: Benign for Pheochromocytoma/paraganglioma syndrome 3. Last evaluated: 2025-03-14. Review status: criteria provided, single submitter. Criteria: Myriad Autosomal Dominant, Autosomal Recessive and X-Linked Classification Criteria (2023). Collection method: clinical testing. Allele origin: unknown.
Comment: This variant is considered benign. This variant is a silent/synonymous amino acid change and it is not expected to impact splicing.

Labcorp Genetics (formerly Invitae), Labcorp
Classification: Likely benign for Pheochromocytoma/paraganglioma syndrome 3; Gastrointestinal stromal tumor. Last evaluated: 2024-09-06. Review status: criteria provided, single submitter. Criteria: Invitae Variant Classification Sherloc (09022015). Collection method: clinical testing. Allele origin: germline.

Ambry Genetics
Classification: Likely benign for Hereditary cancer-predisposing syndrome. Last evaluated: 2021-02-05. Review status: criteria provided, single submitter. Criteria: Ambry Variant Classification Scheme 2023. Collection method: clinical testing. Allele origin: germline.

CeGaT Center for Human Genetics Tuebingen
Classification: Likely benign. Last evaluated: 2020-06-01. Review status: criteria provided, single submitter. Criteria: CeGaT Center For Human Genetics Tuebingen Variant Classification Criteria Version 2. Collection method: clinical testing. Allele origin: germline. Affected: yes. Observed: 1 variant allele.